The following is an entry in ClinVar:

NM_000161.3(GCH1):c.551G>A (p.Arg184His)

Gene: GCH1 (GTP cyclohydrolase 1; minus strand). Cytogenetic location: 14q22.2.
Variant type: single nucleotide variant.
Coding change: c.551G>A on transcript NM_000161.3 (MANE Select); coding-DNA position 551, G replaced by A.
Protein change: p.Arg184His; replaces arginine 184 with histidine.
Molecular consequence: missense variant.
Genome position (GRCh38, 1-based): chr14:54,845,843, C>T on the plus strand (G>A on the coding strand, the complement: GCH1 is on the minus strand). VCF-style: chr14-54845843-C-T. GRCh37 (hg19) VCF-style: chr14-55312561-C-T.
Other names: c.551G>A, p.Arg184His (NM_001024024.2, NM_001024070.2, NM_001024071.2); short protein forms R184H.
Identifiers: ClinVar variation 9290 (VCV000009290.11), dbSNP rs104894445, ClinGen allele CA120283.

ClinVar aggregate classification (germline): Pathogenic/Likely pathogenic. Review status: criteria provided, multiple submitters, no conflicts (2 of 4 stars). 5 submissions from 5 submitters: Pathogenic (3); Likely pathogenic (1). 1 of the submissions does not count toward it. Last evaluated 2025-01-26.

Conditions:
GTP cyclohydrolase I deficiency with hyperphenylalaninemia (HPABH4B). Also called: HYPERPHENYLALANINEMIA, BH4-DEFICIENT, B; HYPERPHENYLALANINEMIA, TETRAHYDROBIOPTERIN-DEFICIENT, DUE TO GTP CYCLOHYDROLASE I DEFICIENCY; Hyperphenylalaninemia, tetrahydrobiopterin-deficient, due to GTP cyclohydrolase 1 deficiency. Identifiers: Orphanet 2102, Orphanet 238583, MedGen CN305333, MONDO:0100186, OMIM 233910.
Dystonia 5 (DRD). Also called: DYT-GCH1; DYSTONIA, PROGRESSIVE, WITH DIURNAL VARIATION; DYSTONIA-PARKINSONISM WITH DIURNAL FLUCTUATION; GTP Cyclohydrolase 1-Deficient Dopa-Responsive Dystonia; Dystonia, DOPA-responsive, with or without hyperphenylalaninemia. Identifiers: Orphanet 98808, MedGen C1851920, MONDO:0007495, OMIM 128230.
GTP cyclohydrolase I deficiency. Identifiers: MedGen C0268467, MONDO:0100184.

gnomAD v4.1: 5 of 1,594,910 alleles (0.00031%); highest among the groups gnomAD compares: South Asian, 0.0011%; no homozygotes.

Submissions (5):

Labcorp Genetics (formerly Invitae), Labcorp
Classification: Pathogenic for GTP cyclohydrolase I deficiency; Dystonia 5. Last evaluated: 2025-01-26. Review status: criteria provided, single submitter. Criteria: Invitae Variant Classification Sherloc (09022015). Collection method: clinical testing. Allele origin: germline.
Comment: This sequence change replaces arginine, which is basic and polar, with histidine, which is basic and polar, at codon 184 of the GCH1 protein (p.Arg184His). This variant is not present in population databases (gnomAD no frequency). This missense change has been observed in individuals with autosomal dominant dopa-responsive dystonia and/or autosomal recessive GTP cyclohydrolase I (GTPCH) deficiency (PMID: 15133828, 27246466, 30911941). ClinVar contains an entry for this variant (Variation ID: 9290). Invitae Evidence Modeling of protein sequence and biophysical properties (such as structural, functional, and spatial information, amino acid conservation, physicochemical variation, residue mobility, and thermodynamic stability) indicates that this missense variant is expected to disrupt GCH1 protein function with a positive predictive value of 80%. Experimental studies have shown that this missense change affects GCH1 function (PMID: 10582612). This variant disrupts the p.Arg184 amino acid residue in GCH1. Other variant(s) that disrupt this residue have been determined to be pathogenic (PMID: 15753436, 28397219, 28958832). This suggests that this residue is clinically significant, and that variants that disrupt this residue are likely to be disease-causing. For these reasons, this variant has been classified as Pathogenic.

Revvity Omics, Revvity
Classification: Pathogenic. Last evaluated: 2021-12-31. Review status: criteria provided, single submitter. Criteria: ACMG Guidelines, 2015. Collection method: clinical testing. Allele origin: germline.

National Reference Laboratory of Biochemistry, Pasteur Institute of Iran
Classification: Pathogenic for GTP cyclohydrolase I deficiency with hyperphenylalaninemia. Last evaluated: 2014-12-30. Review status: criteria provided, single submitter. Criteria: Submitter's publication. Collection method: research. Allele origin: not applicable. Inheritance: Autosomal recessive inheritance.

Juno Genomics, Hangzhou Juno Genomics, Inc
Classification: Likely pathogenic for Dystonia 5. Review status: criteria provided, single submitter. Criteria: ACMG Guidelines, 2015. Collection method: clinical testing. Allele origin: germline.
Comment: Absent from controls (or at extremely low frequency if recessive) in Genome Aggregation Database.;Multiple lines of computational evidence support a deleterious effect on the gene or gene product.;The prevalence of the variant in affected individuals is significantly increased compared to the prevalence in controls.;For recessive disorders, detected in trans with a pathogenic variant.

OMIM
Classification: Pathogenic for HYPERPHENYLALANINEMIA, BH4-DEFICIENT, B. Last evaluated: 1995-04-28. Review status: no assertion criteria provided. Collection method: literature only. Allele origin: germline. Not counted in ClinVar's aggregate classification.

Literature cited by the submitters: PubMed 15133828 (cited by Labcorp Genetics (formerly Invitae), Labcorp); PubMed 27246466 (cited by Labcorp Genetics (formerly Invitae), Labcorp and National Reference Laboratory of Biochemistry, Pasteur Institute of Iran); PubMed 30911941 (cited by Labcorp Genetics (formerly Invitae), Labcorp); PubMed 10582612 (cited by Labcorp Genetics (formerly Invitae), Labcorp); PubMed 15753436 (cited by Labcorp Genetics (formerly Invitae), Labcorp); PubMed 28397219 (cited by Labcorp Genetics (formerly Invitae), Labcorp); PubMed 28958832 (cited by Labcorp Genetics (formerly Invitae), Labcorp); PMC 5355377 (cited by National Reference Laboratory of Biochemistry, Pasteur Institute of Iran); PubMed 7730309 (cited by OMIM).